The following is an entry in ClinVar:

ClinVar aggregate classification (germline): Uncertain significance. Review status: criteria provided, multiple submitters, no conflicts (2 of 4 stars). 4 submissions from 4 submitters: Uncertain significance (4). Last evaluated 2026-08-07.

Conditions:
DNMT1-related disorder. Also called: DNMT1-related condition. Identifiers: MedGen CN381527.
Hereditary sensory neuropathy-deafness-dementia syndrome. Also called: Hereditary Sensory and Autonomic Neuropathy Type 1E (HSAN1E); Hereditary sensory neuropathy type IE; HSN IE; NEUROPATHY, HEREDITARY SENSORY, WITH HEARING LOSS AND DEMENTIA. Identifiers: Orphanet 456318, MedGen C3279885, MONDO:0013584, OMIM 614116.
Inborn genetic diseases. Identifiers: MedGen C0950123, MeSH D030342.

Allele frequency attached by ClinVar (database versions not stated): TOPMed 0.00002; gnomAD 0.00003 and 0.00004; ESP Exome Variant Server 0.00008.
gnomAD v4.1: 17 of 1,609,228 alleles (0.0011%); highest among the groups gnomAD compares: African/African-American, 0.0067%; no homozygotes.

Submissions (4):

PreventionGenetics, part of Exact Sciences
Classification: Uncertain significance for DNMT1-related condition. Last evaluated: 2026-08-07. Review status: criteria provided, single submitter. Criteria: ACMG Guidelines, 2015. Collection method: clinical testing. Allele origin: germline.
Comment: The DNMT1 c.4324C>T variant is predicted to result in the amino acid substitution p.Arg1442Trp. To our knowledge, this variant has not been reported in the literature. This variant is reported in 0.0058% of alleles in individuals of Latino descent in gnomAD. At this time, the clinical significance of this variant is uncertain due to the absence of conclusive functional and genetic evidence.

Labcorp Genetics (formerly Invitae), Labcorp
Classification: Uncertain significance for Hereditary sensory neuropathy-deafness-dementia syndrome. Last evaluated: 2025-08-25. Review status: criteria provided, single submitter. Criteria: Invitae Variant Classification Sherloc (09022015). Collection method: clinical testing. Allele origin: germline.
Comment: This sequence change replaces arginine, which is basic and polar, with tryptophan, which is neutral and slightly polar, at codon 1442 of the DNMT1 protein (p.Arg1442Trp). The frequency data for this variant in the population databases is considered unreliable, as metrics indicate poor data quality at this position in the gnomAD database. This variant has not been reported in the literature in individuals affected with DNMT1-related conditions. ClinVar contains an entry for this variant (Variation ID: 1424487). Invitae Evidence Modeling of protein sequence and biophysical properties (such as structural, functional, and spatial information, amino acid conservation, physicochemical variation, residue mobility, and thermodynamic stability) has been performed for this missense variant. However, the output from this modeling did not meet the statistical confidence thresholds required to predict the impact of this variant on DNMT1 protein function. In summary, the available evidence is currently insufficient to determine the role of this variant in disease. Therefore, it has been classified as a Variant of Uncertain Significance.

GeneDx
Classification: Uncertain significance. Last evaluated: 2022-05-27. Review status: criteria provided, single submitter. Criteria: GeneDx Variant Classification Process June 2021. Collection method: clinical testing. Allele origin: germline. Affected: yes.
Comment: In silico analysis supports that this missense variant has a deleterious effect on protein structure/function; In silico analysis suggests this variant may impact gene splicing. In the absence of RNA/functional studies, the actual effect of this sequence change is unknown.; Has not been previously published as pathogenic or benign to our knowledge

Ambry Genetics
Classification: Uncertain significance for Inborn genetic diseases. Last evaluated: 2021-01-05. Review status: criteria provided, single submitter. Criteria: Ambry Variant Classification Scheme 2023. Collection method: clinical testing. Allele origin: germline.
Comment: The p.R1426W variant (also known as c.4276C>T), located in coding exon 36 of the DNMT1 gene, results from a C to T substitution at nucleotide position 4276. The arginine at codon 1426 is replaced by tryptophan, an amino acid with dissimilar properties. This amino acid position is highly conserved in available vertebrate species. In addition, the in silico prediction for this alteration is inconclusive. Since supporting evidence is limited at this time, the clinical significance of this alteration remains unclear.

NM_001130823.3(DNMT1):c.4324C>T (p.Arg1442Trp)

Gene: DNMT1 (DNA methyltransferase 1; minus strand). Cytogenetic location: 19p13.2.
Variant type: single nucleotide variant.
Coding change: c.4324C>T on transcript NM_001130823.3 (MANE Select); coding-DNA position 4324, C replaced by T.
Protein change: p.Arg1442Trp; replaces arginine 1442 with tryptophan.
Molecular consequence: missense variant.
Genome position (GRCh38, 1-based): chr19:10,137,250, G>A on the plus strand (C>T on the coding strand, the complement: DNMT1 is on the minus strand). VCF-style: chr19-10137250-G-A. GRCh37 (hg19) VCF-style: chr19-10247926-G-A.
Other names: c.4276C>T, p.Arg1426Trp (NM_001318730.2, NM_001379.4); c.3961C>T, p.Arg1321Trp (NM_001318731.2); c.4324C>T (NM_001130823.2); short protein forms R1426W, R1321W, R1442W.
Identifiers: ClinVar variation 1424487 (VCV001424487.10), dbSNP rs139918621, ClinGen allele CA9187531.
Genomic context (GRCh38, chr19:10,137,250, plus strand): 5'-GCCGCACCTCGATGTTGGGCAGATCGCGCCAGTCTGACCCTGGGGCCAAGGGGATGTGCC[G>A]CATGCGGGCAGCCACCAATGCACTCATGTCCTGAAAGAGTGTGGGGGGCCCAGCTGTCAC-3'
Protein context (NP_001124295.1, residues 1432-1452): DMSALVAARM[Arg1442Trp]HIPLAPGSDW